The following is an entry in ClinVar:

ClinVar aggregate classification (germline): Uncertain significance. Review status: criteria provided, multiple submitters, no conflicts (2 of 4 stars). 2 submissions from 2 submitters: Uncertain significance (2). Last evaluated 2025-10-05.

Conditions:
Early-onset non-syndromic cataract. Also called: Age-related nuclear cataract; NUCLEAR SCLEROSIS OF THE LENS. Identifiers: Orphanet 91492, MedGen C1832423, MONDO:0011060, OMIM 601371, HP:0011142.

Submissions (2):

Genetics Department, University Hospital of Toulouse
Classification: Uncertain significance for Early-onset non-syndromic cataract. Last evaluated: 2025-10-05. Review status: criteria provided, single submitter. Criteria: ACMG Guidelines, 2015. Collection method: clinical testing. Allele origin: paternal. Affected: yes.
Comment: The NM_021954.4:c.161G>A p.(Cys54Tyr) is a missense variant in GJA3. It was classified as VUS (PM1, PM2, PP3, BS2)

GeneDx
Classification: Uncertain significance. Last evaluated: 2019-05-24. Review status: criteria provided, single submitter. Criteria: GeneDx Variant Classification Process June 2021. Collection method: clinical testing. Allele origin: germline. Affected: yes.
Comment: Has not been previously published as pathogenic or benign to our knowledge; Not observed in large population cohorts (Lek et al., 2016); In silico analysis, which includes protein predictors and evolutionary conservation, supports a deleterious effect

NM_021954.4(GJA3):c.161G>A (p.Cys54Tyr)

Gene: GJA3 (gap junction protein alpha 3; minus strand). Cytogenetic location: 13q12.11.
Variant type: single nucleotide variant.
Coding change: c.161G>A on transcript NM_021954.4 (MANE Select); coding-DNA position 161, G replaced by A.
Protein change: p.Cys54Tyr; replaces cysteine 54 with tyrosine.
Molecular consequence: missense variant.
Genome position (GRCh38, 1-based): chr13:20,143,128, C>T on the plus strand (G>A on the coding strand, the complement: GJA3 is on the minus strand). VCF-style: chr13-20143128-C-T. GRCh37 (hg19) VCF-style: chr13-20717267-C-T.
Other names: short protein forms C54Y.
Identifiers: ClinVar variation 1305889 (VCV001305889.3), dbSNP rs2141138385, ClinGen allele CA387465509.
Genomic context (GRCh38, chr13:20,143,128, plus strand): 5'-TGGGAGATGGGGAAGGCCCTGTCGTAGCAGACGTTCTCGCAGCCCGGCTGCTGGGTGTTG[C>T]AGGTGAAGTCTGACTGCTCATCGCCCCACACGTCCTCCGCCGCGGCCCCCAGCACCAAGA-3'
Protein context (NP_068773.2, residues 44-64): VWGDEQSDFT[Cys54Tyr]NTQQPGCENV